The following is an entry in ClinVar:

ClinVar aggregate classification (germline): Pathogenic (1 of 4 stars; one submission).

Conditions:
Peroxisome biogenesis disorder, complementation group 7 (CG7). Also called: Peroxisome biogenesis disorder, complementation group B. Identifiers: MedGen C1864399.

Submission:

Labcorp Genetics (formerly Invitae), Labcorp
Classification: Pathogenic for Peroxisome biogenesis disorder, complementation group 7. Last evaluated: 2025-03-05. Review status: criteria provided, single submitter. Criteria: Invitae Variant Classification Sherloc (09022015). Collection method: clinical testing. Allele origin: germline.
Comment: This sequence change creates a premature translational stop signal (p.Glu10Glyfs*41) in the PEX10 gene. It is expected to result in an absent or disrupted protein product. Loss-of-function variants in PEX10 are known to be pathogenic (PMID: 9683594, 10862081, 21031596). This variant is not present in population databases (gnomAD no frequency). This variant has not been reported in the literature in individuals affected with PEX10-related conditions. ClinVar contains an entry for this variant (Variation ID: 940956). For these reasons, this variant has been classified as Pathogenic.

Literature cited by the submitters: PubMed 9683594; PubMed 10862081; PubMed 21031596.

NM_002617.4(PEX10):c.28dup (p.Glu10fs)

Gene: PEX10 (peroxisomal biogenesis factor 10; minus strand). Cytogenetic location: 1p36.32.
Variant type: Duplication.
Coding change: c.28dup on transcript NM_002617.4 (MANE Select); coding-DNA position 28, one base duplicated (G; older notation c.28dupG).
Protein change: p.Glu10fs; shifts the reading frame from glutamic acid 10.
Molecular consequence: frameshift variant. On other transcripts: intron variant (2).
Genome position (GRCh38, 1-based): chr1:2,412,475, C duplicated on the plus strand (G on the coding strand, the reverse complement: PEX10 is on the minus strand); the first of 2 consecutive C bases (chr1:2,412,475-2,412,476); duplicating either gives the same sequence. VCF-style (leftmost placement, unchanged base first): chr1-2412474-T-TC. GRCh37 (hg19) VCF-style: chr1-2343913-T-TC.
Other names: c.28dup, p.Glu10fs (NM_001374425.1, NM_153818.2); c.-321+1121dup (NM_001374427.1, NM_001374426.1); short protein forms E10fs.
Identifiers: ClinVar variation 940956 (VCV000940956.6), dbSNP rs1643275394, ClinGen allele CA1139655618.
Genomic context (GRCh38, chr1:2,412,474, plus strand): 5'-CCCGCCGCGCTCCGCAGCCCACCGCGGTAGTACTCGTCCTTCTGCGCCGCGCGGATCACC[T>TC]CCGGGGGGCTGGCGGCGGCCGGGGCCATGGCCGCGGGTTCGGGTGGTCCCGAGCAGCCAC-3'